The following is an entry in ClinVar:

ClinVar aggregate classification (germline): Uncertain significance (1 of 4 stars; one submission).

Allele frequency attached by ClinVar (database versions not stated): gnomAD exomes below 0.00001; gnomAD 0.00002; TOPMed 0.00003.
gnomAD v4.1: 11 of 1,610,214 alleles (0.00068%); highest among the groups gnomAD compares: Non-Finnish European, 0.00093%; no homozygotes.

Submission:

Labcorp Genetics (formerly Invitae), Labcorp
Classification: Uncertain significance. Last evaluated: 2025-11-17. Review status: criteria provided, single submitter. Criteria: Invitae Variant Classification Sherloc (09022015). Collection method: clinical testing. Allele origin: germline.
Comment: This sequence change replaces arginine, which is basic and polar, with isoleucine, which is neutral and non-polar, at codon 107 of the GEN1 protein (p.Arg107Ile). This variant is present in population databases (no rsID available, gnomAD 0.002%). This variant has not been reported in the literature in individuals affected with GEN1-related conditions. ClinVar contains an entry for this variant (Variation ID: 1004306). An algorithm developed to predict the effect of missense changes on protein structure and function (PolyPhen-2) suggests that this variant is likely to be disruptive. In summary, the available evidence is currently insufficient to determine the role of this variant in disease. Therefore, it has been classified as a Variant of Uncertain Significance.

NM_001130009.3(GEN1):c.320G>T (p.Arg107Ile)

Gene: GEN1 (GEN1 structure-specific endonuclease; plus strand). Cytogenetic location: 2p24.2.
Variant type: single nucleotide variant.
Coding change: c.320G>T on transcript NM_001130009.3 (MANE Select); coding-DNA position 320, G replaced by T.
Protein change: p.Arg107Ile; replaces arginine 107 with isoleucine.
Molecular consequence: missense variant.
Genome position (GRCh38, 1-based): chr2:17,761,554, G>T. VCF-style: chr2-17761554-G-T. GRCh37 (hg19) VCF-style: chr2-17942821-G-T.
Other names: c.320G>T, p.Arg107Ile (NM_182625.5); short protein forms R107I.
Identifiers: ClinVar variation 1004306 (VCV001004306.8), dbSNP rs1309351284, ClinGen allele CA345906820.